The following is an entry in ClinVar:

ClinVar aggregate classification (germline): Pathogenic/Likely pathogenic. Review status: criteria provided, multiple submitters, no conflicts (2 of 4 stars). 5 submissions from 5 submitters: Pathogenic (4); Likely pathogenic (1). Last evaluated 2026-03-05.

Conditions:
Polycystic kidney disease, adult type (PKD1). Also called: Polycystic Kidney Disease 1, Autosomal Dominant; Polycystic kidney disease 1; Polycystic kidney disease 1, severe; POLYCYSTIC KIDNEY DISEASE, ADULT, TYPE I; Polycystic Kidney, Autosomal Dominant; POLYCYSTIC KIDNEY DISEASE 1 WITH OR WITHOUT POLYCYSTIC LIVER DISEASE. Identifiers: MedGen C3149841, MONDO:0008263, OMIM 173900.
PKD1-related disorder. Also called: PKD1-related condition.

Submissions (5):

PreventionGenetics, part of Exact Sciences
Classification: Pathogenic for PKD1-related condition. Last evaluated: 2026-03-05. Review status: criteria provided, single submitter. Criteria: ACMG Guidelines, 2015. Collection method: clinical testing. Allele origin: germline.
Comment: The PKD1 c.11525G>A variant is predicted to result in premature protein termination (p.Trp3842*). This variant was reported in individuals with autosomal dominant polycystic kidney disease (ADPKD) (see for example, Table 1A, Rossetti et al. 2007. PubMed ID: 17582161; Suppl. Table 3, Benson et al. 2021. PubMed ID: 33454723). This variant has not been reported in a large population database (gnomAD), indicating this variant is rare. Nonsense variants in PKD1 are expected to be pathogenic. This variant is interpreted as pathogenic.

GeneDx
Classification: Pathogenic. Last evaluated: 2026-01-23. Review status: criteria provided, single submitter. Criteria: GeneDx Variant Classification Process June 2021. Collection method: clinical testing. Allele origin: germline.
Comment: Nonsense variant predicted to result in protein truncation or nonsense mediated decay in a gene for which loss of function is a known mechanism of disease; Not observed at significant frequency in large population cohorts (gnomAD); This variant is associated with the following publications: (PMID: 25525159, 17582161, 36938073, 38481516, 33454723)

Fulgent Genetics
Classification: Pathogenic for Polycystic kidney disease, adult type. Last evaluated: 2024-05-16. Review status: criteria provided, single submitter. Criteria: ACMG Guidelines, 2015. Collection method: clinical testing. Allele origin: germline.

Cavalleri Lab, Royal College of Surgeons in Ireland
Classification: Pathogenic for Polycystic kidney disease, adult type. Last evaluated: 2020-02-05. Review status: criteria provided, single submitter. Criteria: ACMG Guidelines, 2015. Collection method: research. Allele origin: unknown. Inheritance: Autosomal dominant inheritance. Affected: yes.
Comment: PVS1, PM2, PP3, PP4, PP5

Athena Diagnostics
Classification: Likely pathogenic. Last evaluated: 2019-05-10. Review status: criteria provided, single submitter. Criteria: Athena Diagnostics Criteria. Collection method: clinical testing. Allele origin: germline.
Comment: The variant creates a premature nonsense codon, and is therefore predicted to result in the loss of a functional protein. Not found in the total gnomAD dataset, and the data is high quality (0/266904 chr).

NM_001009944.3(PKD1):c.11525G>A (p.Trp3842Ter)

Genes: PKD1 (polycystin 1, transient receptor potential channel interacting; minus strand), PKD1-AS1 (PKD1 antisense RNA 1; plus strand). Cytogenetic location: 16p13.3.
Variant type: single nucleotide variant.
Coding change: c.11525G>A on transcript NM_001009944.3 (MANE Select); coding-DNA position 11525, G replaced by A.
Protein change: p.Trp3842Ter; replaces tryptophan 3842 with a stop codon.
Molecular consequence: nonsense.
Genome position (GRCh38, 1-based): chr16:2,091,793, C>T on the plus strand (G>A on the coding strand, the complement: PKD1 is on the minus strand). VCF-style: chr16-2091793-C-T. GRCh37 (hg19) VCF-style: chr16-2141794-C-T.
Other names: c.11522G>A, p.Trp3841Ter (NM_000296.4); c.11525G>A (NM_001009944.2); short protein forms W3842*, W3841*.
Identifiers: ClinVar variation 805142 (VCV000805142.6), dbSNP rs1596481464, ClinGen allele CA394332463.
Genomic context (GRCh38, chr16:2,091,793, plus strand): 5'-GCTGGTGACTGCGGCCACCCCGGAGAGGGCAGGGGAGGGAGCTCCCACCTGTTGTCCAGC[C>T]AGTTGTGCAGCTGCAGGAAGCGCAGCCGGTCGCGGCTCTCCTCCAGGCTCAGGCCCAGCT-3'